The following is an entry in ClinVar:

ClinVar aggregate classification (germline): Uncertain significance. Review status: criteria provided, multiple submitters, no conflicts (2 of 4 stars). 3 submissions from 3 submitters: Uncertain significance (3). Last evaluated 2024-09-19.

Conditions:
Kabuki syndrome 2 (KABUK2). Also called: KDM6A-Related Kabuki Syndrome. Identifiers: Orphanet 2322, MedGen C3275495, MONDO:0010465, OMIM 300867.

Allele frequency attached by ClinVar (database versions not stated): ExAC 0.00001; gnomAD exomes 0.00001; gnomAD 0.00004; TOPMed 0.00004.
gnomAD v4.1: 11 of 1,209,302 alleles (0.00091%); highest among the groups gnomAD compares: African/African-American, 0.019%; no homozygotes.

Submissions (3):

Labcorp Genetics (formerly Invitae), Labcorp
Classification: Uncertain significance for Kabuki syndrome 2. Last evaluated: 2024-09-19. Review status: criteria provided, single submitter. Criteria: Invitae Variant Classification Sherloc (09022015). Collection method: clinical testing. Allele origin: germline.
Comment: This sequence change replaces isoleucine, which is neutral and non-polar, with threonine, which is neutral and polar, at codon 724 of the KDM6A protein (p.Ile724Thr). This variant is present in population databases (rs749563708, gnomAD 0.03%). This variant has not been reported in the literature in individuals affected with KDM6A-related conditions. ClinVar contains an entry for this variant (Variation ID: 2663219). Invitae Evidence Modeling of protein sequence and biophysical properties (such as structural, functional, and spatial information, amino acid conservation, physicochemical variation, residue mobility, and thermodynamic stability) indicates that this missense variant is not expected to disrupt KDM6A protein function with a negative predictive value of 80%. In summary, the available evidence is currently insufficient to determine the role of this variant in disease. Therefore, it has been classified as a Variant of Uncertain Significance.

Fulgent Genetics
Classification: Uncertain significance for Kabuki syndrome 2. Last evaluated: 2024-05-11. Review status: criteria provided, single submitter. Criteria: ACMG Guidelines, 2015. Collection method: clinical testing. Allele origin: germline.

GeneDx
Classification: Uncertain significance. Last evaluated: 2023-05-07. Review status: criteria provided, single submitter. Criteria: GeneDx Variant Classification Process June 2021. Collection method: clinical testing. Allele origin: germline. Affected: yes.
Comment: In silico analysis supports that this missense variant does not alter protein structure/function; Has not been previously published as pathogenic or benign to our knowledge

NM_001291415.2(KDM6A):c.2327T>C (p.Ile776Thr)

Gene: KDM6A (lysine demethylase 6A; plus strand). Cytogenetic location: Xp11.3.
Variant type: single nucleotide variant.
Coding change: c.2327T>C on transcript NM_001291415.2 (MANE Select); coding-DNA position 2327, T replaced by C.
Protein change: p.Ile776Thr; replaces isoleucine 776 with threonine.
Molecular consequence: missense variant. On other transcripts: non-coding transcript variant (1).
Genome position (GRCh38, 1-based): chrX:45,069,826, T>C. VCF-style: chrX-45069826-T-C. GRCh37 (hg19) VCF-style: chrX-44929071-T-C.
Other names: c.2171T>C (NM_021140.3); c.2192T>C, p.Ile731Thr (NM_001291416.2, NM_001419811.1); c.2036T>C, p.Ile679Thr (NM_001291417.2); c.1934T>C, p.Ile645Thr (NM_001291418.2, NM_001419815.1); c.1283T>C, p.Ile428Thr (NM_001291421.2); c.2069T>C, p.Ile690Thr (NM_001410742.1, NM_001419814.1); c.2327T>C, p.Ile776Thr (NM_001419809.1); c.2225T>C, p.Ile742Thr (NM_001419810.1, NM_001419813.1); and 1 more; short protein forms I428T, I645T, I679T, I690T, I724T, I731T, I742T, I776T.
Identifiers: ClinVar variation 2663219 (VCV002663219.5), dbSNP rs749563708, ClinGen allele CA10392492.
Genomic context (GRCh38, chrX:45,069,826, plus strand): 5'-CTACCTCAGGTGGACAACAAGGCATTACCTTAACCAAAGAGAGCAAGCCTTCAGGAAACA[T>C]ATTGACGGTGCCTGAAACAAGCAGGCACACTGGAGAGACACCTAACAGCACTGCCAGTGT-3'
Protein context (NP_001278344.1, residues 766-786): LTKESKPSGN[Ile776Thr]LTVPETSRHT